The following is an entry in ClinVar:

NM_198965.2(PTHLH):c.452G>A (p.Gly151Glu)

Gene: PTHLH (parathyroid hormone like hormone; minus strand). Cytogenetic location: 12p11.22.
Variant type: single nucleotide variant.
Coding change: c.452G>A on transcript NM_198965.2 (MANE Select); coding-DNA position 452, G replaced by A.
Protein change: p.Gly151Glu; replaces glycine 151 with glutamic acid.
Molecular consequence: missense variant.
Genome position (GRCh38, 1-based): chr12:27,963,420, C>T on the plus strand (G>A on the coding strand, the complement: PTHLH is on the minus strand). VCF-style: chr12-27963420-C-T. GRCh37 (hg19) VCF-style: chr12-28116353-C-T.
Other names: c.452G>A, p.Gly151Glu (NM_002820.3, NM_198964.2, NM_198966.2); short protein forms G151E.
Identifiers: ClinVar variation 3643287 (VCV003643287.2).

ClinVar aggregate classification (germline): Uncertain significance (1 of 4 stars; one submission).

gnomAD v4.1: 1 of 1,614,166 alleles (0.000062%); highest among the groups gnomAD compares: South Asian, 0.0011%; no homozygotes.

Submission:

Labcorp Genetics (formerly Invitae), Labcorp
Classification: Uncertain significance. Last evaluated: 2024-02-25. Review status: criteria provided, single submitter. Criteria: Invitae Variant Classification Sherloc (09022015). Collection method: clinical testing. Allele origin: germline.
Comment: This sequence change replaces glycine, which is neutral and non-polar, with glutamic acid, which is acidic and polar, at codon 151 of the PTHLH protein (p.Gly151Glu). This variant is not present in population databases (gnomAD no frequency). This variant has not been reported in the literature in individuals affected with PTHLH-related conditions. Algorithms developed to predict the effect of missense changes on protein structure and function output the following: SIFT: "Not Available"; PolyPhen-2: "Benign"; Align-GVGD: "Not Available". The glutamic acid amino acid residue is found in multiple mammalian species, which suggests that this missense change does not adversely affect protein function. In summary, the available evidence is currently insufficient to determine the role of this variant in disease. Therefore, it has been classified as a Variant of Uncertain Significance.